The following is an entry in ClinVar:

NM_001458.5(FLNC):c.3161_3174del (p.Val1054fs)

Gene: FLNC (filamin C; plus strand). Cytogenetic location: 7q32.1.
Variant type: Deletion.
Coding change: c.3161_3174del on transcript NM_001458.5 (MANE Select); coding-DNA positions 3161 to 3174, 14 bases deleted (TGGAGGGTGTCCTG).
Protein change: p.Val1054fs; shifts the reading frame from valine 1054.
Molecular consequence: frameshift variant.
Genome position (GRCh38, 1-based): chr7:128,844,235-128,844,248, TGGAGGGTGTCCTG deleted; deleting any 14 consecutive bases within chr7:128,844,232-128,844,248 gives the same sequence; the c. name uses the placement nearest the transcript's 3' end. VCF-style (leftmost placement, unchanged base first): chr7-128844231-GCTGTGGAGGGTGTC-G. GRCh37 (hg19) VCF-style: chr7-128484285-GCTGTGGAGGGTGTC-G.
Other names: c.3161_3174del, p.Val1054fs (NM_001127487.2); short protein forms V1054fs.
Identifiers: ClinVar variation 2946078 (VCV002946078.3), dbSNP rs2536635905, ClinGen allele CA2740097572.
Genomic context (GRCh38, chr7:128,844,231, plus strand): 5'-GAGGGGCCCTACAAGGTGGATATCACCTACGATGGTCACCCGGTGCCTGGCAGCCCGTTT[GCTGTGGAGGGTGTC>G]CTGCCCCCTGATCCCTCCAAGGTGAGGAGATAGGAGCTGGTTGGGGCTGGGAGTTGGGGA-3'

ClinVar aggregate classification (germline): Pathogenic (1 of 4 stars; one submission).

Conditions:
Myofibrillar myopathy 5. Also called: Filaminopathy (type); FILAMINOPATHY, AUTOSOMAL DOMINANT. Identifiers: Orphanet 171445, MedGen C1836050, MONDO:0012289, OMIM 609524.
Hypertrophic cardiomyopathy 26. Also called: Cardiomyopathy, familial hypertrophic, 26. Identifiers: Orphanet 75249, MedGen C4310749, MONDO:0014883, OMIM 617047.
Distal myopathy with posterior leg and anterior hand involvement. Also called: WILLIAMS DISTAL MYOPATHY. Identifiers: Orphanet 63273, MedGen C3279722, MONDO:0013550, OMIM 614065.

Submission:

Labcorp Genetics (formerly Invitae), Labcorp
Classification: Pathogenic for Distal myopathy with posterior leg and anterior hand involvement; Myofibrillar myopathy 5; Hypertrophic cardiomyopathy 26. Last evaluated: 2023-04-03. Review status: criteria provided, single submitter. Criteria: Invitae Variant Classification Sherloc (09022015). Collection method: clinical testing. Allele origin: germline.
Comment: This sequence change creates a premature translational stop signal (p.Val1054Alafs*3) in the FLNC gene. It is expected to result in an absent or disrupted protein product. Loss-of-function variants in FLNC are known to be pathogenic (PMID: 27908349). This variant is not present in population databases (gnomAD no frequency). This variant has not been reported in the literature in individuals affected with FLNC-related conditions. For these reasons, this variant has been classified as Pathogenic.

Literature cited by the submitters: PubMed 27908349.